The following is an entry in ClinVar:

ClinVar aggregate classification (germline): Uncertain significance. Review status: criteria provided, multiple submitters, no conflicts (2 of 4 stars). 2 submissions from 2 submitters: Uncertain significance (2). Last evaluated 2024-12-15.

Conditions:
Hereditary cancer-predisposing syndrome. Also called: Hereditary neoplastic syndrome; Tumor predisposition; Neoplastic Syndromes, Hereditary; Hereditary Cancer Syndrome. Identifiers: Orphanet 140162, MedGen C0027672, MeSH D009386, MONDO:0015356.
Birt-Hogg-Dube syndrome. Also called: Birt Hogg Dubé syndrome. Identifiers: Orphanet 122, MedGen C0346010, MONDO:0800444.

Submissions (2):

Ambry Genetics
Classification: Uncertain significance for Hereditary cancer-predisposing syndrome. Last evaluated: 2024-12-15. Review status: criteria provided, single submitter. Criteria: Ambry Variant Classification Scheme 2023. Collection method: clinical testing. Allele origin: germline.
Comment: The p.K206E variant (also known as c.616A>G), located in coding exon 3 of the FLCN gene, results from an A to G substitution at nucleotide position 616. The lysine at codon 206 is replaced by glutamic acid, an amino acid with similar properties. This amino acid position is conserved. In addition, the in silico prediction for this alteration is inconclusive. Based on the available evidence, the clinical significance of this variant remains unclear.

Labcorp Genetics (formerly Invitae), Labcorp
Classification: Uncertain significance for Birt-Hogg-Dube syndrome. Last evaluated: 2022-08-30. Review status: criteria provided, single submitter. Criteria: Invitae Variant Classification Sherloc (09022015). Collection method: clinical testing. Allele origin: germline.
Comment: Algorithms developed to predict the effect of missense changes on protein structure and function (SIFT, PolyPhen-2, Align-GVGD) all suggest that this variant is likely to be tolerated. This variant has not been reported in the literature in individuals affected with FLCN-related conditions. This variant is not present in population databases (gnomAD no frequency). This sequence change replaces lysine, which is basic and polar, with glutamic acid, which is acidic and polar, at codon 206 of the FLCN protein (p.Lys206Glu). In summary, the available evidence is currently insufficient to determine the role of this variant in disease. Therefore, it has been classified as a Variant of Uncertain Significance.

NM_144997.7(FLCN):c.616A>G (p.Lys206Glu)

Gene: FLCN (folliculin; minus strand). Cytogenetic location: 17p11.2.
Variant type: single nucleotide variant.
Coding change: c.616A>G on transcript NM_144997.7 (MANE Select); coding-DNA position 616, A replaced by G.
Protein change: p.Lys206Glu; replaces lysine 206 with glutamic acid.
Molecular consequence: missense variant.
Genome position (GRCh38, 1-based): chr17:17,223,924, T>C on the plus strand (A>G on the coding strand, the complement: FLCN is on the minus strand). VCF-style: chr17-17223924-T-C. GRCh37 (hg19) VCF-style: chr17-17127238-T-C.
Other names: c.670A>G, p.Lys224Glu (NM_001353229.2); c.616A>G, p.Lys206Glu (NM_001353230.2, NM_001353231.2, NM_144606.7); short protein forms K206E, K224E.
Identifiers: ClinVar variation 1718354 (VCV001718354.7), dbSNP rs2544250657, ClinGen allele CA398534175.